The following is an entry in ClinVar:

NM_004385.5(VCAN):c.6316G>A (p.Val2106Ile)

Genes: VCAN (versican; plus strand), VCAN-AS1 (VCAN antisense RNA 1; minus strand). Cytogenetic location: 5q14.3.
Variant type: single nucleotide variant.
Coding change: c.6316G>A on transcript NM_004385.5 (MANE Select); coding-DNA position 6316, G replaced by A.
Protein change: p.Val2106Ile; replaces valine 2106 with isoleucine.
Molecular consequence: missense variant. On other transcripts: intron variant (2).
Genome position (GRCh38, 1-based): chr5:83,539,319, G>A. VCF-style: chr5-83539319-G-A. GRCh37 (hg19) VCF-style: chr5-82835138-G-A.
Other names: c.3355G>A, p.Val1119Ile (NM_001164097.2); c.4004-6218G>A (NM_001164098.2); c.1043-6218G>A (NM_001126336.3); short protein forms V1119I, V2106I.
Identifiers: ClinVar variation 1980019 (VCV001980019.4), dbSNP rs1331255184, ClinGen allele CA360312279.

ClinVar aggregate classification (germline): Uncertain significance (1 of 4 stars; one submission).

Allele frequency attached by ClinVar (database versions not stated): gnomAD 0.00002; TOPMed 0.00002.
gnomAD v4.1: 6 of 1,613,974 alleles (0.00037%); highest among the groups gnomAD compares: African/African-American, 0.008%; no homozygotes.

Submission:

Labcorp Genetics (formerly Invitae), Labcorp
Classification: Uncertain significance. Last evaluated: 2022-08-12. Review status: criteria provided, single submitter. Criteria: Invitae Variant Classification Sherloc (09022015). Collection method: clinical testing. Allele origin: germline.
Comment: In summary, the available evidence is currently insufficient to determine the role of this variant in disease. Therefore, it has been classified as a Variant of Uncertain Significance. Algorithms developed to predict the effect of missense changes on protein structure and function output the following: SIFT: "Tolerated"; PolyPhen-2: "Benign"; Align-GVGD: "Class C0". The isoleucine amino acid residue is found in multiple mammalian species, which suggests that this missense change does not adversely affect protein function. This variant has not been reported in the literature in individuals affected with VCAN-related conditions. This variant is present in population databases (no rsID available, gnomAD 0.02%). This sequence change replaces valine, which is neutral and non-polar, with isoleucine, which is neutral and non-polar, at codon 2106 of the VCAN protein (p.Val2106Ile).